The following is an entry in ClinVar:

ClinVar aggregate classification (germline): Likely benign. Review status: criteria provided, multiple submitters, no conflicts (2 of 4 stars). 4 submissions from 4 submitters: Likely benign (4). Last evaluated 2026-01-28.

Allele frequency attached by ClinVar (database versions not stated): gnomAD exomes 0.00004; ESP Exome Variant Server 0.00008; gnomAD 0.00008; TOPMed 0.00008; ExAC 0.00009.
gnomAD v4.1: 70 of 1,613,452 alleles (0.0043%); highest among the groups gnomAD compares: African/African-American, 0.013%; no homozygotes.

Submissions (4):

Labcorp Genetics (formerly Invitae), Labcorp
Classification: Likely benign. Last evaluated: 2026-01-28. Review status: criteria provided, single submitter. Criteria: Invitae Variant Classification Sherloc (09022015). Collection method: clinical testing. Allele origin: germline.

Blueprint Genetics
Classification: Likely benign. Last evaluated: 2024-02-21. Review status: criteria provided, single submitter. Criteria: ACMG Guidelines, 2015. Collection method: clinical testing. Allele origin: germline.

CeGaT Center for Human Genetics Tuebingen
Classification: Likely benign. Last evaluated: 2024-02-01. Review status: criteria provided, single submitter. Criteria: CeGaT Center For Human Genetics Tuebingen Variant Classification Criteria Version 2. Collection method: clinical testing. Allele origin: germline. Affected: yes. Observed: 4 variant alleles.
Comment: PYCR1: BP4, BP7

GeneDx
Classification: Likely benign. Last evaluated: 2020-02-18. Review status: criteria provided, single submitter. Criteria: GeneDx Variant Classification Process June 2021. Collection method: clinical testing. Allele origin: germline. Affected: yes.

NM_006907.4(PYCR1):c.249C>T (p.Gly83=)

Gene: PYCR1 (pyrroline-5-carboxylate reductase 1; minus strand). Cytogenetic location: 17q25.3.
Variant type: single nucleotide variant.
Coding change: c.249C>T on transcript NM_006907.4 (MANE Select); coding-DNA position 249, C replaced by T.
Protein change: p.Gly83=; no amino-acid change (glycine 83 retained).
Molecular consequence: synonymous variant.
Genome position (GRCh38, 1-based): chr17:81,935,406, G>A on the plus strand (C>T on the coding strand, the complement: PYCR1 is on the minus strand). VCF-style: chr17-81935406-G-A. GRCh37 (hg19) VCF-style: chr17-79893282-G-A.
Other names: c.249C>T, p.Gly83= (NM_001282279.2, NM_001282280.2, NM_001330523.2 and 1 more transcripts); c.330C>T, p.Gly110= (NM_001282281.2).
Identifiers: ClinVar variation 749669 (VCV000749669.41), dbSNP rs374503467, ClinGen allele CA8845519.
Genomic context (GRCh38, chr17:81,935,406, plus strand): 5'-GGAGCTGATGGTGACGCCGGCCGCGCAGGACACCACAATGTGTCTGTCCTCAATGTCGGC[G>A]CCTATTTCATCCAGGATGAAGGGGATGATGTGTGGCTTCACAGCCAGGAAGAGCACATCA-3'
Protein context (NP_008838.2, residues 73-93): HIIPFILDEI[Gly83=]ADIEDRHIVV